The following is an entry in ClinVar:

ClinVar aggregate classification (germline): Pathogenic (1 of 4 stars; one submission).

Submission:

Labcorp Genetics (formerly Invitae), Labcorp
Classification: Pathogenic. Last evaluated: 2023-07-16. Review status: criteria provided, single submitter. Criteria: Invitae Variant Classification Sherloc (09022015). Collection method: clinical testing. Allele origin: germline.
Comment: This sequence change creates a premature translational stop signal (p.Pro838Glnfs*228) in the COL17A1 gene. It is expected to result in an absent or disrupted protein product. Loss-of-function variants in COL17A1 are known to be pathogenic (PMID: 16473856, 17344927, 20301304, 21357940, 24319098). This variant is not present in population databases (gnomAD no frequency). This variant has not been reported in the literature in individuals affected with COL17A1-related conditions. For these reasons, this variant has been classified as Pathogenic.

Literature cited by the submitters: PubMed 16473856; PubMed 17344927; PubMed 20301304; PubMed 21357940; PubMed 24319098.

NM_000494.4(COL17A1):c.2513del (p.Pro838fs)

Gene: COL17A1 (collagen type XVII alpha 1 chain; minus strand). Cytogenetic location: 10q25.1.
Variant type: Deletion.
Coding change: c.2513del on transcript NM_000494.4 (MANE Select); coding-DNA position 2513, one base deleted (C; older notation c.2513delC).
Protein change: p.Pro838fs; shifts the reading frame from proline 838.
Molecular consequence: frameshift variant.
Genome position (GRCh38, 1-based): chr10:104,043,503, G deleted on the plus strand (C on the coding strand, the reverse complement: COL17A1 is on the minus strand); the first of 4 consecutive G bases (chr10:104,043,503-104,043,506); deleting any one gives the same sequence. VCF-style (leftmost placement, unchanged base first): chr10-104043502-TG-T. GRCh37 (hg19) VCF-style: chr10-105803260-TG-T.
Other names: short protein forms P838fs.
Identifiers: ClinVar variation 2812109 (VCV002812109.3), dbSNP rs2493306888, ClinGen allele CA2610798516.